The following is an entry in ClinVar:

ClinVar aggregate classification (germline): Benign/Likely benign. Review status: criteria provided, multiple submitters, no conflicts (2 of 4 stars). 6 submissions from 6 submitters: Benign (2); Likely benign (1). 3 of the submissions do not count toward it. Last evaluated 2026-02-02.

Conditions:
XYLT2-related disorder. Also called: XYLT2-related condition.
Osteogenesis imperfecta (OI). Identifiers: Orphanet 666, MedGen C0029434, MeSH D010013, MONDO:0019019.

Allele frequency attached by ClinVar (database versions not stated): 1000 Genomes Project 0.00559; 1000 Genomes Project 30x 0.00718; gnomAD exomes 0.00927 and 0.01396; gnomAD 0.01001 and 0.01034; TOPMed 0.01006; ESP Exome Variant Server 0.01033; ExAC 0.01423.
gnomAD v4.1: 21,128 of 1,566,816 alleles (1.3%); highest among the groups gnomAD compares: Non-Finnish European, 1.6%; 183 homozygotes.

Submissions (6):

Labcorp Genetics (formerly Invitae), Labcorp
Classification: Benign. Last evaluated: 2026-02-02. Review status: criteria provided, single submitter. Criteria: Invitae Variant Classification Sherloc (09022015). Collection method: clinical testing. Allele origin: germline.

Genome Diagnostics Laboratory, The Hospital for Sick Children
Classification: Likely benign for Osteogenesis imperfecta. Last evaluated: 2022-04-11. Review status: criteria provided, single submitter. Criteria: ACMG Guidelines, 2015. Collection method: clinical testing. Allele origin: germline.

Breakthrough Genomics
Classification: Benign. Review status: criteria provided, single submitter. Criteria: ACMG Guidelines, 2015. Collection method: not provided. Allele origin: germline. Inheritance: Autosomal recessive inheritance. Affected: yes.

PreventionGenetics, part of Exact Sciences
Classification: Benign for XYLT2-related condition. Last evaluated: 2019-03-19. Review status: no assertion criteria provided. Collection method: clinical testing. Allele origin: germline. Not counted in ClinVar's aggregate classification.
Comment: This variant is classified as benign based on ACMG/AMP sequence variant interpretation guidelines (Richards et al. 2015 PMID: 25741868, with internal and published modifications).

Genome Diagnostics Laboratory, Amsterdam University Medical Center
Classification: Benign. Review status: no assertion criteria provided. Collection method: clinical testing. Allele origin: germline. Affected: yes. Study: VKGL Data-share Consensus. Not counted in ClinVar's aggregate classification.

Laboratory of Diagnostic Genome Analysis, Leiden University Medical Center (LUMC)
Classification: Benign. Review status: no assertion criteria provided. Collection method: clinical testing. Allele origin: germline. Affected: yes. Study: VKGL Data-share Consensus. Not counted in ClinVar's aggregate classification.

NM_022167.4(XYLT2):c.166G>A (p.Asp56Asn)

Gene: XYLT2 (xylosyltransferase 2; plus strand). Cytogenetic location: 17q21.33.
Variant type: single nucleotide variant.
Coding change: c.166G>A on transcript NM_022167.4 (MANE Select); coding-DNA position 166, G replaced by A.
Protein change: p.Asp56Asn; replaces aspartic acid 56 with asparagine.
Molecular consequence: missense variant.
Genome position (GRCh38, 1-based): chr17:50,353,660, G>A. VCF-style: chr17-50353660-G-A. GRCh37 (hg19) VCF-style: chr17-48431021-G-A.
Other names: short protein forms D56N.
Identifiers: ClinVar variation 1299780 (VCV001299780.15), dbSNP rs113835371, ClinGen allele CA8646101.
Genomic context (GRCh38, chr17:50,353,660, plus strand): 5'-CCCAGTGATGTGTCTGCATCTCTCTTACAGAAAGGAAGGCAGAGGAAGCCACGGCCACTG[G>A]ACCCTGGCGAGGGTTCCAAGGACACAGACAGTTCAGCAGGGCGACGGGGCAGCACAGGCA-3'
Protein context (NP_071450.2, residues 46-66): KGRQRKPRPL[Asp56Asn]PGEGSKDTDS